The following is an entry in ClinVar:

ClinVar aggregate classification (germline): Likely pathogenic (1 of 4 stars; one submission).

Conditions:
Anterior segment dysgenesis 3 (ASGD3). Also called: IRIDOGONIODYSGENESIS ANOMALY, AUTOSOMAL DOMINANT; Glaucoma iridogoniodysplasia, familial. Identifiers: Orphanet 91483, MedGen C5975707, MONDO:0024456, OMIM 601631.

Submission:

3billion
Classification: Likely pathogenic for Anterior segment dysgenesis 3. Last evaluated: 2025-07-21. Review status: criteria provided, single submitter. Criteria: ACMG Guidelines, 2015. Collection method: clinical testing. Allele origin: germline. Affected: yes.
Comment: The variant is not observed in the gnomAD v4.1.0 dataset. Predicted Consequence/Location: Frameshift: predicted to result in a loss or disruption of normal protein function through protein truncation. The predicted truncated protein may be shortened by more than 10%. Therefore, this variant is classified as Likely pathogenic according to the recommendation of ACMG/AMP guideline.

NM_001453.3(FOXC1):c.457del (p.Thr153fs)

Gene: FOXC1 (forkhead box C1; plus strand). Cytogenetic location: 6p25.3.
Variant type: Deletion.
Coding change: c.457del on transcript NM_001453.3 (MANE Select); coding-DNA position 457, one base deleted (A; older notation c.457delA).
Protein change: p.Thr153fs; shifts the reading frame from threonine 153.
Molecular consequence: frameshift variant.
Genome position (GRCh38, 1-based): chr6:1,610,902, A deleted. VCF-style (leftmost placement, unchanged base first): chr6-1610901-GA-G. GRCh37 (hg19) VCF-style: chr6-1611136-GA-G.
Other names: short protein forms T153fs.
Identifiers: ClinVar variation 4854197 (VCV004854197.1).